The following is an entry in ClinVar:

NM_000211.5(ITGB2):c.1435A>G (p.Lys479Glu)

Gene: ITGB2 (integrin subunit beta 2; minus strand). Cytogenetic location: 21q22.3.
Variant type: single nucleotide variant.
Coding change: c.1435A>G on transcript NM_000211.5 (MANE Select); coding-DNA position 1435, A replaced by G.
Protein change: p.Lys479Glu; replaces lysine 479 with glutamic acid.
Molecular consequence: missense variant.
Genome position (GRCh38, 1-based): chr21:44,890,200, T>C on the plus strand (A>G on the coding strand, the complement: ITGB2 is on the minus strand). VCF-style: chr21-44890200-T-C. GRCh37 (hg19) VCF-style: chr21-46310115-T-C.
Other names: c.1435A>G, p.Lys479Glu (NM_001127491.3); c.1228A>G, p.Lys410Glu (NM_001303238.2); short protein forms K479E, K410E.
Identifiers: ClinVar variation 968177 (VCV000968177.7), dbSNP rs946605387, ClinGen allele CA321894720.
Genomic context (GRCh38, chr21:44,890,200, plus strand): 5'-TCCGGCAGCTTCCTTCCAGCTCCTGGCTGCTCCGGCCCTGTGTCTGGCACTCACAGTTTT[T>C]CCCAATGTAGCCAGTGTCACACCTGGGGACAGGAGGGGCCCCAAGGTCAGGCTCCCCCCA-3'
Protein context (NP_000202.3, residues 469-489): ICRCDTGYIG[Lys479Glu]NCECQTQGRS

ClinVar aggregate classification (germline): Uncertain significance (1 of 4 stars; one submission).

Conditions:
Leukocyte adhesion deficiency 1 (LAD1). Also called: LAD 1; Lymphocyte function-associated antigen 1 immunodeficiency; LFA 1 immunodeficiency; LEUKOCYTE ADHESION DEFICIENCY, TYPE I. Identifiers: Orphanet 2968, Orphanet 99842, MedGen C0398738, MONDO:0007293, OMIM 116920.

Allele frequency attached by ClinVar (database versions not stated): TOPMed below 0.00001; gnomAD 0.00001.
gnomAD v4.1: 1 of 1,613,022 alleles (0.000062%); highest among the groups gnomAD compares: Admixed American, 0.0017%; no homozygotes.

Submission:

Labcorp Genetics (formerly Invitae), Labcorp
Classification: Uncertain significance for Leukocyte adhesion deficiency 1. Last evaluated: 2021-08-24. Review status: criteria provided, single submitter. Criteria: Invitae Variant Classification Sherloc (09022015). Collection method: clinical testing. Allele origin: germline.
Comment: This sequence change replaces lysine with glutamic acid at codon 479 of the ITGB2 protein (p.Lys479Glu). The lysine residue is highly conserved and there is a small physicochemical difference between lysine and glutamic acid. This variant is not present in population databases (ExAC no frequency). This variant has not been reported in the literature in individuals affected with ITGB2-related conditions. Algorithms developed to predict the effect of missense changes on protein structure and function (SIFT, PolyPhen-2, Align-GVGD) all suggest that this variant is likely to be disruptive. In summary, the available evidence is currently insufficient to determine the role of this variant in disease. Therefore, it has been classified as a Variant of Uncertain Significance.